The following is an entry in ClinVar:

NM_007348.4(ATF6):c.367T>G (p.Leu123Val)

Gene: ATF6 (activating transcription factor 6; plus strand). Cytogenetic location: 1q23.3.
Variant type: single nucleotide variant.
Coding change: c.367T>G on transcript NM_007348.4 (MANE Select); coding-DNA position 367, T replaced by G.
Protein change: p.Leu123Val; replaces leucine 123 with valine.
Molecular consequence: missense variant.
Genome position (GRCh38, 1-based): chr1:161,791,420, T>G. VCF-style: chr1-161791420-T-G. GRCh37 (hg19) VCF-style: chr1-161761210-T-G.
Other names: short protein forms L123V.
Identifiers: ClinVar variation 1518484 (VCV001518484.8), dbSNP rs2101741284, ClinGen allele CA343385865.
Genomic context (GRCh38, chr1:161,791,420, plus strand): 5'-GCTGCTTAAGGATTATACTCATTAATTTTTGTTTTTATTATGCTACAGGAGGAGTTGGAT[T>G]TGTCTTCTAGTTCTCAGATGTCTCCCCTTTCCTTATATGGTGAAAACTCTAATAGTCTCT-3'
Protein context (NP_031374.2, residues 113-133): STQHVPEELD[Leu123Val]SSSSQMSPLS

ClinVar aggregate classification (germline): Uncertain significance (1 of 4 stars; one submission).

Submission:

Labcorp Genetics (formerly Invitae), Labcorp
Classification: Uncertain significance. Last evaluated: 2024-02-24. Review status: criteria provided, single submitter. Criteria: Invitae Variant Classification Sherloc (09022015). Collection method: clinical testing. Allele origin: germline.
Comment: This sequence change replaces leucine, which is neutral and non-polar, with valine, which is neutral and non-polar, at codon 123 of the ATF6 protein (p.Leu123Val). This variant is not present in population databases (gnomAD no frequency). This variant has not been reported in the literature in individuals affected with ATF6-related conditions. ClinVar contains an entry for this variant (Variation ID: 1518484). Advanced modeling of protein sequence and biophysical properties (such as structural, functional, and spatial information, amino acid conservation, physicochemical variation, residue mobility, and thermodynamic stability) performed at Invitae indicates that this missense variant is not expected to disrupt ATF6 protein function with a negative predictive value of 80%. In summary, the available evidence is currently insufficient to determine the role of this variant in disease. Therefore, it has been classified as a Variant of Uncertain Significance.